The following is an entry in ClinVar:

NM_198253.3(TERT):c.2356C>T (p.Leu786=)

Gene: TERT (telomerase reverse transcriptase; minus strand). Cytogenetic location: 5p15.33.
Variant type: single nucleotide variant.
Coding change: c.2356C>T on transcript NM_198253.3 (MANE Select); coding-DNA position 2356, C replaced by T.
Protein change: p.Leu786=; no amino-acid change (leucine 786 retained).
Molecular consequence: synonymous variant.
Genome position (GRCh38, 1-based): chr5:1,272,211, G>A on the plus strand (C>T on the coding strand, the complement: TERT is on the minus strand). VCF-style: chr5-1272211-G-A. GRCh37 (hg19) VCF-style: chr5-1272326-G-A.
Other names: c.2356C>T, p.Leu786= (NM_001193376.3).
Identifiers: ClinVar variation 471862 (VCV000471862.16), dbSNP rs1488050310, ClinGen allele CA443023424.

ClinVar aggregate classification (germline): Likely benign. Review status: criteria provided, multiple submitters, no conflicts (2 of 4 stars). 4 submissions from 4 submitters: Likely benign (4). Last evaluated 2026-07-01.

Conditions:
Idiopathic Pulmonary Fibrosis. Also called: Idiopathic fibrosing alveolitis, chronic form; idiopathic fibrosing alveolitis. Identifiers: Orphanet 2032, MedGen C1800706, MeSH D054990, MONDO:0800504.
Dyskeratosis congenita, autosomal dominant 2. Identifiers: MedGen C3151443, MONDO:0013521, OMIM 613989.
Dyskeratosis congenita. Identifiers: Orphanet 1775, MedGen C0265965, MONDO:0015780.

Allele frequency attached by ClinVar (database versions not stated): gnomAD exomes below 0.00001; TOPMed 0.00001.
gnomAD v4.1: 2 of 1,612,734 alleles (0.00012%); highest among the groups gnomAD compares: Middle Eastern, 0.033%; no homozygotes.

Submissions (4):

CeGaT Center for Human Genetics Tuebingen
Classification: Likely benign. Last evaluated: 2026-07-01. Review status: criteria provided, single submitter. Criteria: CeGaT Center For Human Genetics Tuebingen Variant Classification Criteria Version 2. Collection method: clinical testing. Allele origin: germline. Affected: yes. Observed: 1 variant allele.
Comment: TERT: BP4, BP7

Labcorp Genetics (formerly Invitae), Labcorp
Classification: Likely benign for Dyskeratosis congenita, autosomal dominant 2; Idiopathic Pulmonary Fibrosis. Last evaluated: 2025-12-09. Review status: criteria provided, single submitter. Criteria: Invitae Variant Classification Sherloc (09022015). Collection method: clinical testing. Allele origin: germline.

Blueprint Genetics
Classification: Likely benign. Last evaluated: 2023-11-21. Review status: criteria provided, single submitter. Criteria: ACMG Guidelines, 2015. Collection method: clinical testing. Allele origin: germline.

Ambry Genetics
Classification: Likely benign for Dyskeratosis congenita. Last evaluated: 2022-06-22. Review status: criteria provided, single submitter. Criteria: Ambry Variant Classification Scheme 2023. Collection method: clinical testing. Allele origin: germline.